The following is an entry in ClinVar:

NM_002693.3(POLG):c.2341G>C (p.Ala781Pro)

Gene: POLG (DNA polymerase gamma, catalytic subunit; minus strand). Cytogenetic location: 15q26.1.
Variant type: single nucleotide variant.
Coding change: c.2341G>C on transcript NM_002693.3 (MANE Select); coding-DNA position 2341, G replaced by C.
Protein change: p.Ala781Pro; replaces alanine 781 with proline.
Molecular consequence: missense variant.
Genome position (GRCh38, 1-based): chr15:89,322,827, C>G on the plus strand (G>C on the coding strand, the complement: POLG is on the minus strand). VCF-style: chr15-89322827-C-G. GRCh37 (hg19) VCF-style: chr15-89866058-C-G.
Other names: c.2341G>C, p.Ala781Pro (NM_001126131.2); short protein forms A781P.
Identifiers: ClinVar variation 2746819 (VCV002746819.4), dbSNP rs575660501, ClinGen allele CA393756436.

ClinVar aggregate classification (germline): Conflicting classifications of pathogenicity. Review status: criteria provided, conflicting classifications (1 of 4 stars). 2 submissions from 2 submitters: Likely pathogenic (1); Uncertain significance (1). Last evaluated 2024-06-26.

Conditions:
Progressive sclerosing poliodystrophy (MTDPS4A). Also called: ALPERS PROGRESSIVE INFANTILE POLIODYSTROPHY; NEURONAL DEGENERATION OF CHILDHOOD WITH LIVER DISEASE, PROGRESSIVE; Alpers Syndrome; ALPERS DIFFUSE DEGENERATION OF CEREBRAL GRAY MATTER WITH HEPATIC CIRRHOSIS; Alpers-Huttenlocher Syndrome; Mitochondrial DNA depletion syndrome 4A (Alpers type). Identifiers: Orphanet 726, MedGen C0205710, MONDO:0008758, OMIM 203700.

Submissions (2):

Greenwood Genetic Center Diagnostic Laboratories, Greenwood Genetic Center
Classification: Uncertain significance. Last evaluated: 2024-06-26. Review status: criteria provided, single submitter. Criteria: ACMG Guidelines, 2015. Collection method: clinical testing. Allele origin: germline. Affected: yes.
Comment: PM2, PP3

Labcorp Genetics (formerly Invitae), Labcorp
Classification: Likely pathogenic for Progressive sclerosing poliodystrophy. Last evaluated: 2023-07-30. Review status: criteria provided, single submitter. Criteria: Invitae Variant Classification Sherloc (09022015). Collection method: clinical testing. Allele origin: germline.
Comment: In summary, the currently available evidence indicates that the variant is pathogenic, but additional data are needed to prove that conclusively. Therefore, this variant has been classified as Likely Pathogenic. This variant disrupts the p.Ala781 amino acid residue in POLG. Other variant(s) that disrupt this residue have been determined to be pathogenic (PMID: 31425757). This suggests that this residue is clinically significant, and that variants that disrupt this residue are likely to be disease-causing. Advanced modeling of protein sequence and biophysical properties (such as structural, functional, and spatial information, amino acid conservation, physicochemical variation, residue mobility, and thermodynamic stability) performed at Invitae indicates that this missense variant is expected to disrupt POLG protein function. This variant has not been reported in the literature in individuals affected with POLG-related conditions. This variant is present in population databases (no rsID available, gnomAD 0.007%). This sequence change replaces alanine, which is neutral and non-polar, with proline, which is neutral and non-polar, at codon 781 of the POLG protein (p.Ala781Pro).

Literature cited by the submitters: PubMed 31425757 (cited by Labcorp Genetics (formerly Invitae), Labcorp).